The following is an entry in ClinVar:

ClinVar aggregate classification (germline): Pathogenic (1 of 4 stars; one submission).

Conditions:
Maturity-onset diabetes of the young (MODY). Also called: Maturity onset diabetes mellitus in young. Identifiers: Orphanet 552, MedGen C0342276, MONDO:0018911, HP:0004904.

Submission:

Women's Health and Genetics/Laboratory Corporation of America, LabCorp
Classification: Pathogenic for Maturity-onset diabetes of the young. Last evaluated: 2024-05-22. Review status: criteria provided, single submitter. Criteria: LabCorp Variant Classification Summary - May 2015. Collection method: clinical testing. Allele origin: germline.
Comment: Variant summary: HNF1A c.838A>T (p.Lys280X) results in a premature termination codon, predicted to cause a truncation of the encoded protein or absence of the protein due to nonsense mediated decay, which are commonly known mechanisms for disease. The variant was absent in 1613232 control chromosomes. To our knowledge, no occurrence of c.838A>T in individuals affected with Maturity Onset Diabetes Of The Young 3 and no experimental evidence demonstrating its impact on protein function have been reported. No submitters have cited clinical-significance assessments for this variant to ClinVar. Based on the evidence outlined above, the variant was classified as pathogenic.

NM_000545.8(HNF1A):c.838A>T (p.Lys280Ter)

Gene: HNF1A (HNF1 homeobox A; plus strand). Cytogenetic location: 12q24.31.
Variant type: single nucleotide variant.
Coding change: c.838A>T on transcript NM_000545.8 (MANE Select); coding-DNA position 838, A replaced by T.
Protein change: p.Lys280Ter; replaces lysine 280 with a stop codon.
Molecular consequence: nonsense.
Genome position (GRCh38, 1-based): chr12:120,994,288, A>T. VCF-style: chr12-120994288-A-T. GRCh37 (hg19) VCF-style: chr12-121432091-A-T.
Other names: c.838A>T, p.Lys280Ter (NM_001306179.2, NM_001406915.1); short protein forms K280*.
Identifiers: ClinVar variation 3336431 (VCV003336431.1).